The following is an entry in ClinVar:

ClinVar aggregate classification (germline): Uncertain significance (1 of 4 stars; one submission).

Submission:

Laboratory for Molecular Medicine, Mass General Brigham Personalized Medicine
Classification: Uncertain significance. Last evaluated: 2015-06-23. Review status: criteria provided, single submitter. Criteria: LMM Criteria. Collection method: clinical testing. Allele origin: germline. Observed: 1 variant allele.
Comment: The p.His23156Leu variant in TTN has not been previously reported in individuals with cardiomyopathy or in large population studies. Computational prediction to ols and conservation analysis do not provide strong support for or against an im pact to the protein. In summary, the clinical significance of the p.His23156Leu variant is uncertain.

NM_001267550.2(TTN):c.77171A>T (p.His25724Leu)

Genes: TTN (titin; minus strand), TTN-AS1 (TTN antisense RNA 1; plus strand). Cytogenetic location: 2q31.2.
Variant type: single nucleotide variant.
Coding change: c.77171A>T on transcript NM_001267550.2 (MANE Select); coding-DNA position 77171, A replaced by T.
Protein change: p.His25724Leu; replaces histidine 25724 with leucine.
Molecular consequence: missense variant.
Genome position (GRCh38, 1-based): chr2:178,568,961, T>A on the plus strand (A>T on the coding strand, the complement: TTN is on the minus strand). VCF-style: chr2-178568961-T-A. GRCh37 (hg19) VCF-style: chr2-179433688-T-A.
Other names: c.69467A>T, p.His23156Leu (NM_133378.4); c.72248A>T, p.His24083Leu (NM_001256850.1); c.49976A>T, p.His16659Leu (NM_003319.4); c.50351A>T, p.His16784Leu (NM_133432.3); c.50552A>T, p.His16851Leu (NM_133437.4); short protein forms H23156L, H25724L, H16851L, H24083L, H16659L, H16784L.
Identifiers: ClinVar variation 229512 (VCV000229512.5), dbSNP rs768382014, ClinGen allele CA10576481.